The following is an entry in ClinVar:

ClinVar aggregate classification (germline): Likely benign. Review status: criteria provided, multiple submitters, no conflicts (2 of 4 stars). 2 submissions from 2 submitters: Likely benign (2). Last evaluated 2025-10-01.

Conditions:
Inborn genetic diseases. Identifiers: MedGen C0950123, MeSH D030342.

Allele frequency attached by ClinVar (database versions not stated): gnomAD 0.00007; TOPMed 0.00009; ESP Exome Variant Server 0.00015; ExAC 0.00017; gnomAD exomes 0.00018.
gnomAD v4.1: 270 of 1,613,476 alleles (0.017%); highest among the groups gnomAD compares: Non-Finnish European, 0.022%; no homozygotes.

Submissions (2):

CeGaT Center for Human Genetics Tuebingen
Classification: Likely benign. Last evaluated: 2025-10-01. Review status: criteria provided, single submitter. Criteria: CeGaT Center For Human Genetics Tuebingen Variant Classification Criteria Version 2. Collection method: clinical testing. Allele origin: germline. Affected: yes. Observed: 2 variant alleles.
Comment: CUX1: BP4

Ambry Genetics
Classification: Likely benign for Inborn genetic diseases. Last evaluated: 2021-12-13. Review status: criteria provided, single submitter. Criteria: Ambry Variant Classification Scheme 2023. Collection method: clinical testing. Allele origin: germline.

NM_181552.4(CUX1):c.2350C>G (p.Leu784Val)

Gene: CUX1 (cut like homeobox 1; plus strand). Cytogenetic location: 7q22.1.
Variant type: single nucleotide variant.
Coding change: c.2350C>G on transcript NM_181552.4 (MANE Select); coding-DNA position 2350, C replaced by G.
Protein change: p.Leu784Val; replaces leucine 784 with valine.
Molecular consequence: missense variant. On other transcripts: intron variant (5).
Genome position (GRCh38, 1-based): chr7:102,201,647, C>G. VCF-style: chr7-102201647-C-G. GRCh37 (hg19) VCF-style: chr7-101844927-C-G.
Other names: c.2383C>G, p.Leu795Val (NM_001202543.2); c.1255+6044C>G (NM_001913.5); c.1249+6044C>G (NM_181500.4); c.1117+6044C>G (NM_001202545.3); c.1207+6044C>G (NM_001202544.3); c.1138+6044C>G (NM_001202546.3); short protein forms L784V, L795V.
Identifiers: ClinVar variation 2371264 (VCV002371264.16), dbSNP rs368180302, ClinGen allele CA4411046.
Genomic context (GRCh38, chr7:102,201,647, plus strand): 5'-CTGAAGAAGCCCTCCGCAGCTCCTGAGGCCGGTGCCTCTGCTCTGCCGAACCCCCCGGCC[C>G]TCAAAAAGGAGGCCCAGGACGCCCCCGGGCTGGACCCCCAGGGAGCAGCCGATTGTGCAC-3'
Protein context (NP_853530.2, residues 774-794): GASALPNPPA[Leu784Val]KKEAQDAPGL